The following is an entry in ClinVar:

ClinVar aggregate classification (germline): Likely pathogenic. Review status: criteria provided, multiple submitters, no conflicts (2 of 4 stars). 2 submissions from 2 submitters: Likely pathogenic (2). Last evaluated 2018-07-01.

Conditions:
Tubulinopathy. Also called: Tubulinopathies. Identifiers: MedGen CN850169, MONDO:0100153.

Submissions (2):

Institute of Human Genetics, FAU Erlangen, Friedrich-Alexander-Universität Erlangen-Nürnberg
Classification: Likely pathogenic for Tubulinopathies. Last evaluated: 2018-07-01. Review status: criteria provided, single submitter. Criteria: ACMG Guidelines, 2015. Collection method: literature only. Allele origin: germline. Affected: yes. Observed: 1 variant allele.
Comment: The c.1025A>C, p.(Gln342Pro) variant has been reported as a variant of germline/unknown origin.

GeneDx
Classification: Likely pathogenic. Last evaluated: 2017-06-08. Review status: criteria provided, single submitter. Criteria: GeneDx Variant Classification (06012015). Collection method: clinical testing. Allele origin: germline. Affected: yes.
Comment: The de novo Q342P variant in the TUBA1A gene has not been published as pathogenic, nor has it been reported as a benign polymorphism to our knowledge. The Q342P variant was not observed in approximately 6,500 individuals of European and African American ancestry in an external variant databasea, indicating it is not a common benign variant in these populations. The Q342P variant is a non-conservative amino acid substitution, which is likely to impact secondary protein structure as these residues differ in polarity, charge, size and/or other properties. This substitution occurs at a position that is well-conserved across species. In silico analysis is inconsistent in its predictions as to whether or not the variant is damaging to the protein structure/function. A missense variant in a nearby residue (A333V) has been reported in the Human Gene Mutation Database in association with polymicrogyria-like disease (Stenson et al., 2014), supporting the functional importance of this region of the protein. The Q342P variant is a strong candidate for a pathogenic variant. However, the possibility that it may be a rare benign variant cannot be excluded.

Literature cited by the submitters: PubMed 30744660 (cited by Institute of Human Genetics, FAU Erlangen, Friedrich-Alexander-Universität Erlangen-Nürnberg); DOI 10.1101/427948 (cited by Institute of Human Genetics, FAU Erlangen, Friedrich-Alexander-Universität Erlangen-Nürnberg).

NM_006009.4(TUBA1A):c.1025A>C (p.Gln342Pro)

Gene: TUBA1A (tubulin alpha 1a; minus strand). Cytogenetic location: 12q13.12.
Variant type: single nucleotide variant.
Coding change: c.1025A>C on transcript NM_006009.4 (MANE Select); coding-DNA position 1025, A replaced by C.
Protein change: p.Gln342Pro; replaces glutamine 342 with proline.
Molecular consequence: missense variant.
Genome position (GRCh38, 1-based): chr12:49,185,341, T>G on the plus strand (A>C on the coding strand, the complement: TUBA1A is on the minus strand). VCF-style: chr12-49185341-T-G. GRCh37 (hg19) VCF-style: chr12-49579124-T-G.
Other names: c.1025A>C, p.Gln342Pro (NM_001270399.2); c.920A>C, p.Gln307Pro (NM_001270400.2); short protein forms Q342P, Q307P.
Identifiers: ClinVar variation 449112 (VCV000449112.3), dbSNP rs1555162307, ClinGen allele CA384637044.
Genomic context (GRCh38, chr12:49,185,341, plus strand): 5'-ACAGTGGGAGGCTGGTAGTTGATGCCAACCTTGAAGCCAGTGGGGCACCAATCCACAAAC[T>G]GGATGGTACGCTTGGTCTTGATGGTGGCAATGGCAGCATTGACATCTTTGGGAACCACGT-3'
Protein context (NP_006000.2, residues 332-352): IATIKTKRTI[Gln342Pro]FVDWCPTGFK